The following is an entry in ClinVar:

NM_000179.3(MSH6):c.3117C>A (p.Asn1039Lys)

Gene: MSH6 (mutS homolog 6; plus strand). Cytogenetic location: 2p16.3.
Variant type: single nucleotide variant.
Coding change: c.3117C>A on transcript NM_000179.3 (MANE Select); coding-DNA position 3117, C replaced by A.
Protein change: p.Asn1039Lys; replaces asparagine 1039 with lysine.
Molecular consequence: missense variant.
Genome position (GRCh38, 1-based): chr2:47,801,100, C>A. VCF-style: chr2-47801100-C-A. GRCh37 (hg19) VCF-style: chr2-48028239-C-A.
Other names: c.2820C>A, p.Asn940Lys (NM_001406797.1, NM_001406801.1, NM_001406805.1 and 10 more transcripts); c.3117C>A, p.Asn1039Lys (NM_001406798.1, NM_001406800.1, NM_001406808.1 and 2 more transcripts); c.2592C>A, p.Asn864Lys (NM_001406799.1, NM_001406806.1, NM_001406807.1); c.3213C>A, p.Asn1071Lys (NM_001406802.1, NM_001406795.1); c.3039C>A, p.Asn1013Lys (NM_001406804.1); c.2211C>A, p.Asn737Lys (NM_001406811.1, NM_001406812.1, NM_001406814.1 and 6 more transcripts); c.3123C>A, p.Asn1041Lys (NM_001406813.1); c.2949C>A, p.Asn983Lys (NM_001406826.1); and 2 more; short protein forms N1013K, N1039K, N354K, N940K, N1071K, N909K, N1041K, N864K.
Identifiers: ClinVar variation 1727810 (VCV001727810.8), dbSNP rs1553414533, ClinGen allele CA346756627.

ClinVar aggregate classification (germline): Uncertain significance. Review status: criteria provided, multiple submitters, no conflicts (2 of 4 stars). 3 submissions from 3 submitters: Uncertain significance (3). Last evaluated 2024-05-14.

Conditions:
Hereditary cancer-predisposing syndrome. Also called: Tumor predisposition; Neoplastic Syndromes, Hereditary; Hereditary Cancer Syndrome; Hereditary neoplastic syndrome. Identifiers: Orphanet 140162, MedGen C0027672, MeSH D009386, MONDO:0015356.
Lynch syndrome. Identifiers: Orphanet 144, MedGen C4552100, MONDO:0005835. Disease mechanism: loss of function.
Hereditary nonpolyposis colorectal neoplasms. Identifiers: MedGen C0009405, MeSH D003123.

Submissions (3):

All of Us Research Program, National Institutes of Health
Classification: Uncertain significance for Lynch syndrome. Last evaluated: 2024-05-14. Review status: criteria provided, single submitter. Criteria: ACMG Guidelines, 2015. Collection method: clinical testing. Allele origin: germline. Inheritance: Autosomal dominant inheritance. Observed: 1 variant allele, 1 heterozygote.
Comment: This missense variant replaces asparagine with lysine at codon 1039 of the MSH6 protein. Computational prediction suggests that this variant may not impact protein structure and function (internally defined REVEL score threshold <= 0.5, PMID: 27666373). To our knowledge, functional studies have not been reported for this variant. This variant has not been reported in individuals affected with MSH6-related disorders in the literature. This variant has not been identified in the general population by the Genome Aggregation Database (gnomAD). The available evidence is insufficient to determine the role of this variant in disease conclusively. Therefore, this variant is classified as a Variant of Uncertain Significance.

This study involves interpretation of variants in research participants for the purpose of population health screening. Participant phenotype was not available at the time of variant classification. Additional details can be found in publication PMID: 35346344, PMCID: PMC8962531

Labcorp Genetics (formerly Invitae), Labcorp
Classification: Uncertain significance for Hereditary nonpolyposis colorectal neoplasms. Last evaluated: 2022-06-09. Review status: criteria provided, single submitter. Criteria: Invitae Variant Classification Sherloc (09022015). Collection method: clinical testing. Allele origin: germline.
Comment: In summary, the available evidence is currently insufficient to determine the role of this variant in disease. Therefore, it has been classified as a Variant of Uncertain Significance. Advanced modeling of protein sequence and biophysical properties (such as structural, functional, and spatial information, amino acid conservation, physicochemical variation, residue mobility, and thermodynamic stability) performed at Invitae indicates that this missense variant is not expected to disrupt MSH6 protein function. This variant has not been reported in the literature in individuals affected with MSH6-related conditions. This variant is not present in population databases (gnomAD no frequency). This sequence change replaces asparagine, which is neutral and polar, with lysine, which is basic and polar, at codon 1039 of the MSH6 protein (p.Asn1039Lys).

Ambry Genetics
Classification: Uncertain significance for Hereditary cancer-predisposing syndrome. Last evaluated: 2022-02-26. Review status: criteria provided, single submitter. Criteria: Ambry Variant Classification Scheme 2023. Collection method: clinical testing. Allele origin: germline.
Comment: The p.N1039K variant (also known as c.3117C>A), located in coding exon 4 of the MSH6 gene, results from a C to A substitution at nucleotide position 3117. The asparagine at codon 1039 is replaced by lysine, an amino acid with similar properties. This amino acid position is conserved. In addition, the in silico prediction for this alteration is inconclusive. Since supporting evidence is limited at this time, the clinical significance of this alteration remains unclear.